The following is an entry in ClinVar:

ClinVar aggregate classification (germline): Uncertain significance. Review status: criteria provided, multiple submitters, no conflicts (2 of 4 stars). 2 submissions from 2 submitters: Uncertain significance (2). Last evaluated 2025-10-18.

Conditions:
Epileptic encephalopathy. Identifiers: MedGen C0543888, HP:0200134.
Inborn genetic diseases. Identifiers: MedGen C0950123, MeSH D030342.

Allele frequency attached by ClinVar (database versions not stated): gnomAD 0.00001; TOPMed 0.00001.
gnomAD v4.1: 21 of 1,613,402 alleles (0.0013%); highest among the groups gnomAD compares: Admixed American, 0.0017%; no homozygotes.

Submissions (2):

Ambry Genetics
Classification: Uncertain significance for Inborn genetic diseases. Last evaluated: 2025-10-18. Review status: criteria provided, single submitter. Criteria: Ambry Variant Classification Scheme 2023. Collection method: clinical testing. Allele origin: germline.

Labcorp Genetics (formerly Invitae), Labcorp
Classification: Uncertain significance for Epileptic encephalopathy. Last evaluated: 2025-09-15. Review status: criteria provided, single submitter. Criteria: Invitae Variant Classification Sherloc (09022015). Collection method: clinical testing. Allele origin: germline.
Comment: This sequence change replaces arginine, which is basic and polar, with histidine, which is basic and polar, at codon 301 of the GABBR2 protein (p.Arg301His). This variant is present in population databases (rs760023782, gnomAD 0.004%). This variant has not been reported in the literature in individuals affected with GABBR2-related conditions. ClinVar contains an entry for this variant (Variation ID: 938896). Invitae Evidence Modeling of protein sequence and biophysical properties (such as structural, functional, and spatial information, amino acid conservation, physicochemical variation, residue mobility, and thermodynamic stability) indicates that this missense variant is not expected to disrupt GABBR2 protein function with a negative predictive value of 80%. In summary, the available evidence is currently insufficient to determine the role of this variant in disease. Therefore, it has been classified as a Variant of Uncertain Significance.

NM_005458.8(GABBR2):c.902G>A (p.Arg301His)

Gene: GABBR2 (gamma-aminobutyric acid type B receptor subunit 2; minus strand). Cytogenetic location: 9q22.33.
Variant type: single nucleotide variant.
Coding change: c.902G>A on transcript NM_005458.8 (MANE Select); coding-DNA position 902, G replaced by A.
Protein change: p.Arg301His; replaces arginine 301 with histidine.
Molecular consequence: missense variant.
Genome position (GRCh38, 1-based): chr9:98,473,243, C>T on the plus strand (G>A on the coding strand, the complement: GABBR2 is on the minus strand). VCF-style: chr9-98473243-C-T. GRCh37 (hg19) VCF-style: chr9-101235525-C-T.
Other names: short protein forms R301H.
Identifiers: ClinVar variation 938896 (VCV000938896.10), dbSNP rs760023782, ClinGen allele CA5152854.